The following is an entry in ClinVar:

ClinVar aggregate classification (germline): Likely benign (1 of 4 stars; one submission).

Submission:

Molecular Diagnostic Laboratory for Inherited Cardiovascular Disease, Montreal Heart Institute
Classification: Likely benign. Last evaluated: 2026-03-27. Review status: criteria provided, single submitter. Criteria: ACMG Guidelines, 2015. Collection method: clinical testing. Allele origin: germline. Affected: no.
Comment: BP7

NM_053025.4(MYLK):c.2025A>C (p.Gly675=)

Gene: MYLK (myosin light chain kinase; minus strand). Cytogenetic location: 3q21.1.
Variant type: single nucleotide variant.
Coding change: c.2025A>C on transcript NM_053025.4 (MANE Select); coding-DNA position 2025, A replaced by C.
Protein change: p.Gly675=; no amino-acid change (glycine 675 retained).
Molecular consequence: synonymous variant.
Genome position (GRCh38, 1-based): chr3:123,708,813, T>G on the plus strand (A>C on the coding strand, the complement: MYLK is on the minus strand). VCF-style: chr3-123708813-T-G. GRCh37 (hg19) VCF-style: chr3-123427660-T-G.
Other names: c.1497A>C, p.Gly499= (NM_001321309.2); c.1818A>C, p.Gly606= (NM_053026.4, NM_053028.4); c.2025A>C, p.Gly675= (NM_053027.4).
Identifiers: ClinVar variation 4820440 (VCV004820440.1).